The following is an entry in ClinVar:

ClinVar aggregate classification (germline): Likely pathogenic. Review status: reviewed by expert panel (3 of 4 stars). 2 submissions from 2 submitters: Likely pathogenic (1). 1 of the submissions does not count toward it. Last evaluated 2023-03-16.

Conditions:
Phenylketonuria (PKU). Also called: OLIGOPHRENIA PHENYLPYRUVICA; Phenylketonurias; FOLLING DISEASE; Phenylketonuria (PKU). Identifiers: Orphanet 716, MedGen C0031485, MONDO:0009861, OMIM 261600. Disease mechanism: loss of function.

Allele frequency attached by ClinVar (database versions not stated): gnomAD exomes below 0.00001.
gnomAD v4.1: 6 of 1,607,394 alleles (0.00037%); highest among the groups gnomAD compares: Non-Finnish European, 0.00051%; no homozygotes.

Submissions (2):

ClinGen PAH Variant Curation Expert Panel
Classification: Likely pathogenic for Phenylketonuria. Last evaluated: 2023-03-16. Review status: reviewed by expert panel. Criteria: ClinGen PAH ACMG Specifications v1. Collection method: curation. Allele origin: germline. Inheritance: Autosomal recessive inheritance.
Comment: The c.970-1G>C variant in PAH occurs within the canonical splice acceptor site of intron 9. This is predicted to cause in-frame skipping of exon 10. It has been detected in a patient with PAH deficiency with second allele not reported (PMID: 31332730). The variant is absent in population databases. In summary, this variant meets criteria to be classified as Likely Pathogenic for PAH deficiency based on this ACMG/AMP criteria applied, as specified by the ClinGen PAH VCEP: PM2, PP4_moderate, PVS1_strong

Eurofins Ntd Llc (ga)
Classification: Pathogenic. Last evaluated: 2018-01-04. Review status: criteria provided, single submitter. Criteria: EGL Classification Definitions 2015. Collection method: clinical testing. Allele origin: germline. Observed: 1 variant allele, 1 heterozygote. Not counted in ClinVar's aggregate classification.

NM_000277.3(PAH):c.970-1G>C

Gene: PAH (phenylalanine hydroxylase; minus strand). Cytogenetic location: 12q23.2.
Variant type: single nucleotide variant.
Coding change: c.970-1G>C on transcript NM_000277.3 (MANE Select); the canonical splice acceptor site of the intron before coding-DNA position 970, G replaced by C.
Molecular consequence: splice acceptor variant.
Genome position (GRCh38, 1-based): chr12:102,844,432, C>G on the plus strand (G>C on the coding strand, the complement: PAH is on the minus strand). VCF-style: chr12-102844432-C-G. GRCh37 (hg19) VCF-style: chr12-103238210-C-G.
Other names: c.970-1G>C (NM_001354304.2).
Identifiers: ClinVar variation 595611 (VCV000595611.6), dbSNP rs202183605, ClinGen allele CA242744496.
Genomic context (GRCh38, chr12:102,844,432, plus strand): 5'-ATATGCCTTTATGGAGTCTCCTTGTTTGCAGAGCCCAAACTCCACAGTAAACCAGTAAAT[C>G]TGGAATGGAAAGTCAATCTGAGAGCACACTCTATGATGGTTAATTTTATGTGTCACCTTG-3'